The following is an entry in ClinVar:

NM_030962.4(SBF2):c.5437A>G (p.Lys1813Glu)

Genes: SBF2 (SET binding factor 2; minus strand), SBF2-AS1 (SBF2 antisense RNA 1; plus strand), LOC105369149 (uncharacterized LOC105369149; plus strand). Cytogenetic location: 11p15.4.
Variant type: single nucleotide variant.
Coding change: c.5437A>G on transcript NM_030962.4 (MANE Select); coding-DNA position 5437, A replaced by G.
Protein change: p.Lys1813Glu; replaces lysine 1813 with glutamic acid.
Molecular consequence: missense variant.
Genome position (GRCh38, 1-based): chr11:9,781,521, T>C on the plus strand (A>G on the coding strand, the complement: SBF2 is on the minus strand). VCF-style: chr11-9781521-T-C. GRCh37 (hg19) VCF-style: chr11-9803068-T-C.
Other names: c.5533A>G, p.Lys1845Glu (NM_001386339.1); c.5308A>G, p.Lys1770Glu (NM_001386342.1); short protein forms K1813E, K1770E, K1845E.
Identifiers: ClinVar variation 647764 (VCV000647764.9), dbSNP rs1590068012, ClinGen allele CA379630019.

ClinVar aggregate classification (germline): Uncertain significance (1 of 4 stars; one submission).

Conditions:
Charcot-Marie-Tooth disease type 4. Also called: Charcot-Marie-Tooth disease, type IV; Charcot-Marie-Tooth, Type 4. Identifiers: Orphanet 64749, MedGen C4082197, MONDO:0018995.

Allele frequency attached by ClinVar (database versions not stated): gnomAD exomes below 0.00001.
gnomAD v4.1: 4 of 1,614,218 alleles (0.00025%); highest among the groups gnomAD compares: East Asian, 0.0022%; no homozygotes.

Submission:

Labcorp Genetics (formerly Invitae), Labcorp
Classification: Uncertain significance for Charcot-Marie-Tooth disease type 4. Last evaluated: 2022-08-16. Review status: criteria provided, single submitter. Criteria: Invitae Variant Classification Sherloc (09022015). Collection method: clinical testing. Allele origin: germline.
Comment: In summary, the available evidence is currently insufficient to determine the role of this variant in disease. Therefore, it has been classified as a Variant of Uncertain Significance. Algorithms developed to predict the effect of missense changes on protein structure and function are either unavailable or do not agree on the potential impact of this missense change (SIFT: "Deleterious"; PolyPhen-2: "Possibly Damaging"; Align-GVGD: "Class C0"). ClinVar contains an entry for this variant (Variation ID: 647764). This variant has not been reported in the literature in individuals affected with SBF2-related conditions. This variant is not present in population databases (gnomAD no frequency). This sequence change replaces lysine, which is basic and polar, with glutamic acid, which is acidic and polar, at codon 1813 of the SBF2 protein (p.Lys1813Glu).